The following is an entry in ClinVar:

ClinVar aggregate classification (germline): Uncertain significance (1 of 4 stars; one submission).

gnomAD v4.1: 4 of 1,610,486 alleles (0.00025%); highest among the groups gnomAD compares: Non-Finnish European, 0.00034%; no homozygotes.

Submission:

Labcorp Genetics (formerly Invitae), Labcorp
Classification: Uncertain significance. Last evaluated: 2021-01-01. Review status: criteria provided, single submitter. Criteria: Invitae Variant Classification Sherloc (09022015). Collection method: clinical testing. Allele origin: germline.
Comment: In summary, the available evidence is currently insufficient to determine the role of this variant in disease. Therefore, it has been classified as a Variant of Uncertain Significance. Algorithms developed to predict the effect of missense changes on protein structure and function are either unavailable or do not agree on the potential impact of this missense change (SIFT: "Deleterious"; PolyPhen-2: "Possibly Damaging"; Align-GVGD: "Class C0"). This variant has not been reported in the literature in individuals with DTNBP1-related conditions. This variant is not present in population databases (ExAC no frequency). This sequence change replaces valine with methionine at codon 12 of the DTNBP1 protein (p.Val12Met). The valine residue is moderately conserved and there is a small physicochemical difference between valine and methionine.

NM_032122.5(DTNBP1):c.34G>A (p.Val12Met)

Genes: DTNBP1 (dystrobrevin binding protein 1; minus strand), LOC129995888 (ATAC-STARR-seq lymphoblastoid silent region 16953; plus strand). Cytogenetic location: 6p22.3.
Variant type: single nucleotide variant.
Coding change: c.34G>A on transcript NM_032122.5 (MANE Select); coding-DNA position 34, G replaced by A.
Protein change: p.Val12Met; replaces valine 12 with methionine.
Molecular consequence: missense variant. On other transcripts: 5 prime UTR variant (1), non-coding transcript variant (1).
Genome position (GRCh38, 1-based): chr6:15,662,836, C>T on the plus strand (G>A on the coding strand, the complement: DTNBP1 is on the minus strand). VCF-style: chr6-15662836-C-T. GRCh37 (hg19) VCF-style: chr6-15663067-C-T.
Other names: c.-255G>A (NM_001271667.2); c.34G>A, p.Val12Met (NM_001271668.2, NM_001271669.2, NM_183040.2); short protein forms V12M.
Identifiers: ClinVar variation 1499545 (VCV001499545.8), dbSNP rs752961909, ClinGen allele CA362870369.